The following is an entry in ClinVar:

ClinVar aggregate classification (germline): Likely benign (1 of 4 stars; one submission).

Submission:

CeGaT Center for Human Genetics Tuebingen
Classification: Likely benign. Last evaluated: 2025-02-01. Review status: criteria provided, single submitter. Criteria: CeGaT Center For Human Genetics Tuebingen Variant Classification Criteria Version 2. Collection method: clinical testing. Allele origin: germline. Affected: yes. Observed: 1 variant allele.
Comment: TBC1D20: BP4, BP7

NM_144628.4(TBC1D20):c.626+582A>G

Gene: TBC1D20 (TBC1 domain family member 20; minus strand). Cytogenetic location: 20p13.
Variant type: single nucleotide variant.
Coding change: c.626+582A>G on transcript NM_144628.4 (MANE Select); 582 bases into the intron after coding-DNA position 626, A replaced by G.
Molecular consequence: intron variant.
Genome position (GRCh38, 1-based): chr20:441,006, T>C on the plus strand (A>G on the coding strand, the complement: TBC1D20 is on the minus strand). VCF-style: chr20-441006-T-C. GRCh37 (hg19) VCF-style: chr20-421650-T-C.
Identifiers: ClinVar variation 3772455 (VCV003772455.13).
Genomic context (GRCh38, chr20:441,006, plus strand): 5'-CGAGCGTGGTGGCGCATGCCTGTAATCCCAGCTACTTGAGGCTGAGGCAGAAGAATCGCT[T>C]GAACCCGGAAGATAGAGGTTGCAGTGAGCCAAGATCATGCCATTGCACTCCAGCCTGGGC-3'